The following is an entry in ClinVar:

ClinVar aggregate classification (germline): Pathogenic (1 of 4 stars; one submission).

Conditions:
Retinal dystrophy. Also called: Inherited retinal dystrophy. Identifiers: Orphanet 71862, MedGen C0854723, MeSH D058499, MONDO:0019118, HP:0000556.

Submission:

Ophthalmic Genetics Group, Institute of Molecular and Clinical Ophthalmology Basel
Classification: Pathogenic for Retinal dystrophy. Last evaluated: 2024-05-27. Review status: criteria provided, single submitter. Criteria: ACMG Guidelines, 2015. Collection method: research. Allele origin: germline. Affected: yes. Observed: 2 variant alleles.
Comment: This variant was classified as Pathogenic based on ACMG criteria: PVS1_very strong, PM2_sup and PP1_strong

Literature cited by the submitters: PubMed 40180963.

NM_006343.3(MERTK):c.1237del (p.Gln413fs)

Gene: MERTK (MER proto-oncogene, tyrosine kinase; plus strand). Cytogenetic location: 2q13.
Variant type: Deletion.
Coding change: c.1237del on transcript NM_006343.3 (MANE Select); coding-DNA position 1237, one base deleted (C; older notation c.1237delC).
Protein change: p.Gln413fs; shifts the reading frame from glutamine 413.
Molecular consequence: frameshift variant.
Genome position (GRCh38, 1-based): chr2:111,982,934, C deleted. VCF-style (leftmost placement, unchanged base first): chr2-111982933-GC-G. GRCh37 (hg19) VCF-style: chr2-112740510-GC-G.
Other names: NC_000002.11:g.112740511del; NP_006334.2:p.(Gln413ArgfsTer47); short protein forms Q413fs.
Identifiers: ClinVar variation 3381805 (VCV003381805.2).